The following is an entry in ClinVar:

ClinVar aggregate classification (germline): Pathogenic. Review status: criteria provided, multiple submitters, no conflicts (2 of 4 stars). 2 submissions from 2 submitters: Pathogenic (2). Last evaluated 2025-11-18.

Conditions:
Hereditary cancer-predisposing syndrome. Also called: Tumor predisposition; Hereditary neoplastic syndrome; Hereditary Cancer Syndrome; Neoplastic Syndromes, Hereditary. Identifiers: Orphanet 140162, MedGen C0027672, MeSH D009386, MONDO:0015356.
Birt-Hogg-Dube syndrome. Also called: Birt Hogg Dubé syndrome. Identifiers: Orphanet 122, MedGen C0346010, MONDO:0800444.

Submissions (2):

Ambry Genetics
Classification: Pathogenic for Hereditary cancer-predisposing syndrome. Last evaluated: 2025-11-18. Review status: criteria provided, single submitter. Criteria: Ambry Variant Classification Scheme 2023. Collection method: clinical testing. Allele origin: germline.
Comment: The p.W376* pathogenic mutation (also known as c.1127G>A), located in coding exon 7 of the FLCN gene, results from a G to A substitution at nucleotide position 1127. This changes the amino acid from a tryptophan to a stop codon within coding exon 7. This variant was reported in individual(s) with features consistent with Birt-Hogg-Dube syndrome (Maff&eacute; A et al. Clin Genet, 2011 Apr;79:345-54; Tomassetti S et al. Respir Med, 2011 May;105:768-74; Ambry internal data). This variant is considered to be rare based on population cohorts in the Genome Aggregation Database (gnomAD). This alteration is expected to result in loss of function by premature protein truncation or nonsense-mediated mRNA decay. As such, this alteration is interpreted as a disease-causing mutation.

Labcorp Genetics (formerly Invitae), Labcorp
Classification: Pathogenic for Birt-Hogg-Dube syndrome. Last evaluated: 2021-09-25. Review status: criteria provided, single submitter. Criteria: Invitae Variant Classification Sherloc (09022015). Collection method: clinical testing. Allele origin: germline.
Comment: For these reasons, this variant has been classified as Pathogenic. This premature translational stop signal has been observed in individual(s) with suspected Birt-Hogg-Dubé syndrome (PMID: 20618353). This variant is not present in population databases (ExAC no frequency). This sequence change creates a premature translational stop signal (p.Trp376*) in the FLCN gene. It is expected to result in an absent or disrupted protein product. Loss-of-function variants in FLCN are known to be pathogenic (PMID: 15852235).

Literature cited by the submitters: PubMed 20618353 (cited by Ambry Genetics and Labcorp Genetics (formerly Invitae), Labcorp); PubMed 21356586 (cited by Ambry Genetics); PubMed 15852235 (cited by Labcorp Genetics (formerly Invitae), Labcorp).

NM_144997.7(FLCN):c.1127G>A (p.Trp376Ter)

Gene: FLCN (folliculin; minus strand). Cytogenetic location: 17p11.2.
Variant type: single nucleotide variant.
Coding change: c.1127G>A on transcript NM_144997.7 (MANE Select); coding-DNA position 1127, G replaced by A.
Protein change: p.Trp376Ter; replaces tryptophan 376 with a stop codon.
Molecular consequence: nonsense.
Genome position (GRCh38, 1-based): chr17:17,217,118, C>T on the plus strand (G>A on the coding strand, the complement: FLCN is on the minus strand). VCF-style: chr17-17217118-C-T. GRCh37 (hg19) VCF-style: chr17-17120432-C-T.
Other names: c.1181G>A, p.Trp394Ter (NM_001353229.2); c.1127G>A, p.Trp376Ter (NM_001353230.2, NM_001353231.2); c.1127G>A (NM_144997.5); short protein forms W376*, W394*.
Identifiers: ClinVar variation 1451720 (VCV001451720.7), dbSNP rs2144869904, ClinGen allele CA398532272.
Genomic context (GRCh38, chr17:17,217,118, plus strand): 5'-GATGTTCTCACCCGAAGTACTTCAAAAGCTGACTGGACGAGGTCCACGTCTCTGCTTTTC[C>T]AGATCACCTGGTTCCCCATGAGAACGTGCCAGGCCAGCATGCGGAAAGAAGGGGCACCCA-3'